The following is an entry in ClinVar:

ClinVar aggregate classification (germline): Likely benign. Review status: criteria provided, multiple submitters, no conflicts (2 of 4 stars). 2 submissions from 2 submitters: Likely benign (2). Last evaluated 2025-09-27.

Conditions:
MYH14-related disorder. Also called: MYH14-related condition.

gnomAD v4.1: 111 of 1,613,890 alleles (0.0069%); highest among the groups gnomAD compares: Non-Finnish European, 0.0089%; no homozygotes.

Submissions (2):

PreventionGenetics, part of Exact Sciences
Classification: Likely benign for MYH14-related condition. Last evaluated: 2025-09-27. Review status: criteria provided, single submitter. Criteria: ACMG Guidelines, 2015. Collection method: clinical testing. Allele origin: germline.
Comment: This variant is classified as likely benign based on ACMG/AMP sequence variant interpretation guidelines (Richards et al. 2015 PMID: 25741868, with internal and published modifications).

Labcorp Genetics (formerly Invitae), Labcorp
Classification: Likely benign. Last evaluated: 2025-02-06. Review status: criteria provided, single submitter. Criteria: Invitae Variant Classification Sherloc (09022015). Collection method: clinical testing. Allele origin: germline.

NM_001145809.2(MYH14):c.495G>A (p.Lys165=)

Gene: MYH14 (myosin heavy chain 14; plus strand). Cytogenetic location: 19q13.33.
Variant type: single nucleotide variant.
Coding change: c.495G>A on transcript NM_001145809.2 (MANE Select); coding-DNA position 495, G replaced by A.
Protein change: p.Lys165=; no amino-acid change (lysine 165 retained).
Molecular consequence: synonymous variant.
Genome position (GRCh38, 1-based): chr19:50,217,704, G>A. VCF-style: chr19-50217704-G-A. GRCh37 (hg19) VCF-style: chr19-50720961-G-A.
Other names: c.495G>A, p.Lys165= (NM_001077186.2, NM_024729.4); c.495G>A (NM_001145809.1).
Identifiers: ClinVar variation 4811637 (VCV004811637.2).
Genomic context (GRCh38, chr19:50,217,704, plus strand): 5'-CAACCCGTACAAGCAGCTTCCCATCTACACAGAAGCCATTGTGGAGATGTACCGGGGCAA[G>A]AAGCGCCACGAGGTGCCACCCCACGTGTACGCAGTGACCGAGGGGGCCTATCGGAGCATG-3'
Protein context (NP_001139281.1, residues 155-175): TEAIVEMYRG[Lys165=]KRHEVPPHVY